The following is an entry in ClinVar:

ClinVar aggregate classification (germline): Conflicting classifications of pathogenicity. Review status: criteria provided, conflicting classifications (1 of 4 stars). 2 submissions from 2 submitters: Pathogenic (1); Uncertain significance (1). Last evaluated 2025-08-17.

Conditions:
Autosomal recessive distal spinal muscular atrophy 1. Also called: NEURONOPATHY, SEVERE INFANTILE AXONAL, WITH RESPIRATORY FAILURE; NEURONOPATHY, DISTAL HEREDITARY MOTOR, HARDING TYPE VI; NEUROPATHY, DISTAL HEREDITARY MOTOR, AUTOSOMAL RECESSIVE 1; HMN VI; SEVERE INFANTILE AXONAL NEUROPATHY WITH RESPIRATORY FAILURE; SPINAL MUSCULAR ATROPHY, DIAPHRAGMATIC. Identifiers: Orphanet 98920, MedGen C1858517, MONDO:0011436, OMIM 604320.
Charcot-Marie-Tooth disease axonal type 2S. Also called: CHARCOT-MARIE-TOOTH NEUROPATHY, TYPE 2S; CHARCOT-MARIE-TOOTH DISEASE, AXONAL, AUTOSOMAL RECESSIVE, TYPE 2S. Identifiers: Orphanet 443073, MedGen C4015349, MONDO:0014511, OMIM 616155.

Allele frequency attached by ClinVar (database versions not stated): gnomAD exomes 0.00001 and 0.00003; gnomAD 0.00002 and 0.00003; TOPMed 0.00002; ExAC 0.00003; ESP Exome Variant Server 0.00008; 1000 Genomes Project 30x 0.00062; 1000 Genomes Project 0.00080.

Submissions (2):

Labcorp Genetics (formerly Invitae), Labcorp
Classification: Pathogenic for Autosomal recessive distal spinal muscular atrophy 1; Charcot-Marie-Tooth disease axonal type 2S. Last evaluated: 2025-08-17. Review status: criteria provided, single submitter. Criteria: Invitae Variant Classification Sherloc (09022015). Collection method: clinical testing. Allele origin: germline.
Comment: This sequence change replaces arginine, which is basic and polar, with cysteine, which is neutral and slightly polar, at codon 264 of the IGHMBP2 protein (p.Arg264Cys). This variant is present in population databases (rs139497493, gnomAD 0.03%). This missense change has been observed in individual(s) with Charcot-Marie-Tooth disease (internal data). In at least one individual the data is consistent with being in trans (on the opposite chromosome) from a pathogenic variant. ClinVar contains an entry for this variant (Variation ID: 1456797). Invitae Evidence Modeling of protein sequence and biophysical properties (such as structural, functional, and spatial information, amino acid conservation, physicochemical variation, residue mobility, and thermodynamic stability) indicates that this missense variant is expected to disrupt IGHMBP2 protein function with a positive predictive value of 95%. This variant disrupts the p.Arg264 amino acid residue in IGHMBP2. Other variant(s) that disrupt this residue have been determined to be pathogenic (PMID: 26392352, 28902413; internal data). This suggests that this residue is clinically significant, and that variants that disrupt this residue are likely to be disease-causing. For these reasons, this variant has been classified as Pathogenic.

Women's Health and Genetics/Laboratory Corporation of America, LabCorp
Classification: Uncertain significance. Last evaluated: 2025-05-30. Review status: criteria provided, single submitter. Criteria: LabCorp Variant Classification Summary - May 2015. Collection method: clinical testing. Allele origin: germline.
Comment: Variant summary: IGHMBP2 c.790C>T (p.Arg264Cys) results in a non-conservative amino acid change located in the AAA+ ATPase domain (IPR003593) of the encoded protein sequence. Algorithms developed to predict the effect of missense changes on protein structure and function all suggest that this variant is likely to be disruptive. The variant allele was found at a frequency of 3.2e-05 in 251456 control chromosomes. The available data on variant occurrences in the general population are insufficient to allow any conclusion about variant significance. These data do not allow any conclusion about variant significance. A different amino acid change in the same codon has been reported in individuals with Charcot-Marie-Tooth disease axonal type 2S (PMID: 26392352, 28902413, LCG internal data), suggesting this amino acid is important for protein function. To our knowledge, no experimental evidence demonstrating an impact on protein function has been reported. The following publications have been ascertained in the context of this evaluation (PMID: 34169998). ClinVar contains an entry for this variant (Variation ID: 1456797). Based on the evidence outlined above, the variant was classified as VUS-possibly pathogenic.

Literature cited by the submitters: PubMed 26392352 (cited by Labcorp Genetics (formerly Invitae), Labcorp); PubMed 28902413 (cited by Labcorp Genetics (formerly Invitae), Labcorp); PubMed 34169998 (cited by Women's Health and Genetics/Laboratory Corporation of America, LabCorp).

NM_002180.3(IGHMBP2):c.790C>T (p.Arg264Cys)

Gene: IGHMBP2 (immunoglobulin mu DNA binding protein 2; plus strand). Cytogenetic location: 11q13.3.
Variant type: single nucleotide variant.
Coding change: c.790C>T on transcript NM_002180.3 (MANE Select); coding-DNA position 790, C replaced by T.
Protein change: p.Arg264Cys; replaces arginine 264 with cysteine.
Molecular consequence: missense variant.
Genome position (GRCh38, 1-based): chr11:68,914,901, C>T. VCF-style: chr11-68914901-C-T. GRCh37 (hg19) VCF-style: chr11-68682369-C-T.
Other names: c.790C>T (NM_002180.2); short protein forms R264C.
Identifiers: ClinVar variation 1456797 (VCV001456797.10), dbSNP rs139497493, ClinGen allele CA6153395.